The following is an entry in ClinVar:

NM_001454.4(FOXJ1):c.837del (p.Lys280fs)

Gene: FOXJ1 (forkhead box J1; minus strand). Cytogenetic location: 17q25.1.
Variant type: Deletion.
Coding change: c.837del on transcript NM_001454.4 (MANE Select); coding-DNA position 837, one base deleted (C; older notation c.837delC).
Protein change: p.Lys280fs; shifts the reading frame from lysine 280.
Molecular consequence: frameshift variant.
Genome position (GRCh38, 1-based): chr17:76,137,782, G deleted on the plus strand (C on the coding strand, the reverse complement: FOXJ1 is on the minus strand); the first of 3 consecutive G bases (chr17:76,137,782-76,137,784); deleting any one gives the same sequence. VCF-style (leftmost placement, unchanged base first): chr17-76137781-TG-T. GRCh37 (hg19) VCF-style: chr17-74133862-TG-T.
Other names: short protein forms K280fs.
Identifiers: ClinVar variation 1327681 (VCV001327681.3), dbSNP rs2144761991, ClinGen allele CA2573054586.

ClinVar aggregate classification (germline): Pathogenic (1 of 4 stars; one submission).

Submission:

GeneDx
Classification: Pathogenic. Last evaluated: 2025-11-19. Review status: criteria provided, single submitter. Criteria: GeneDx Variant Classification Process June 2021. Collection method: clinical testing. Allele origin: germline. Affected: yes.
Comment: Frameshift variant predicted to result in abnormal protein length as the last 142 amino acid(s) are replaced with 52 different amino acid(s), and other similar variants have been reported in HGMD; Not observed at significant frequency in large population cohorts (gnomAD); This variant is associated with the following publications: (PMID: 41078601)